The following is an entry in ClinVar:

NM_000059.4(BRCA2):c.1447G>A (p.Ala483Thr)

Gene: BRCA2 (BRCA2 DNA repair associated; plus strand). Cytogenetic location: 13q13.1.
Variant type: single nucleotide variant.
Coding change: c.1447G>A on transcript NM_000059.4 (MANE Select); coding-DNA position 1447, G replaced by A.
Protein change: p.Ala483Thr; replaces alanine 483 with threonine.
Molecular consequence: missense variant.
Genome position (GRCh38, 1-based): chr13:32,332,925, G>A. VCF-style: chr13-32332925-G-A. GRCh37 (hg19) VCF-style: chr13-32907062-G-A.
Other names: short protein forms A483T.
Identifiers: ClinVar variation 51125 (VCV000051125.20), dbSNP rs80358432, ClinGen allele CA012073.

ClinVar aggregate classification (germline): Conflicting classifications of pathogenicity. Review status: criteria provided, conflicting classifications (1 of 4 stars). 5 submissions from 5 submitters: Uncertain significance (3); Likely benign (1). 1 of the submissions does not count toward it. Last evaluated 2023-03-23.

Conditions:
Hereditary breast ovarian cancer syndrome. Also called: Hereditary breast and ovarian cancer syndrome; Hereditary breast and ovarian cancer; Hereditary breast and ovarian cancer syndrome (HBOC); Breast and ovarian cancer; Hereditary breast and/or ovarian cancer syndrome; BRCA1- and BRCA2-Associated Hereditary Breast and Ovarian Cancer. Identifiers: Orphanet 145, MedGen C0677776, MeSH D061325, MONDO:0003582. Disease mechanism: loss of function.
Breast-ovarian cancer, familial, susceptibility to, 2 (BROVCA2). Also called: BRCA2 Hereditary Breast and Ovarian Cancer. Identifiers: Orphanet 145, MedGen C2675520, MONDO:0012933, OMIM 612555. Disease mechanism: loss of function.
Hereditary cancer-predisposing syndrome. Also called: Neoplastic Syndromes, Hereditary; Tumor predisposition; Hereditary Cancer Syndrome; Hereditary neoplastic syndrome. Identifiers: Orphanet 140162, MedGen C0027672, MeSH D009386, MONDO:0015356.

Allele frequency attached by ClinVar (database versions not stated): gnomAD exomes below 0.00001; gnomAD 0.00001; 1000 Genomes Project 0.00020; 1000 Genomes Project 30x 0.00031.
gnomAD v4.1: 3 of 1,608,322 alleles (0.00019%); highest among the groups gnomAD compares: South Asian, 0.0034%; no homozygotes.

Submissions (5):

University of Washington Department of Laboratory Medicine, University of Washington
Classification: Likely benign for Hereditary cancer-predisposing syndrome. Last evaluated: 2023-03-23. Review status: criteria provided, single submitter. Criteria: Dines et al. (Genet Med. 2020). Collection method: curation. Allele origin: germline.
Comment: Missense variant in a coldspot region where missense variants are very unlikely to be pathogenic (PMID:31911673).

BRCA2 exon 10 coldspot. Reclassification based on statistical prior probability.

Labcorp Genetics (formerly Invitae), Labcorp
Classification: Uncertain significance for Hereditary breast ovarian cancer syndrome. Last evaluated: 2022-05-20. Review status: criteria provided, single submitter. Criteria: Invitae Variant Classification Sherloc (09022015). Collection method: clinical testing. Allele origin: germline.
Comment: Advanced modeling of protein sequence and biophysical properties (such as structural, functional, and spatial information, amino acid conservation, physicochemical variation, residue mobility, and thermodynamic stability) performed at Invitae indicates that this missense variant is not expected to disrupt BRCA2 protein function. In summary, the available evidence is currently insufficient to determine the role of this variant in disease. Therefore, it has been classified as a Variant of Uncertain Significance. ClinVar contains an entry for this variant (Variation ID: 51125). This missense change has been observed in individual(s) with clinical features of BRCA2-related conditions (PMID: 10923033). This variant is present in population databases (rs80358432, gnomAD 0.003%). This sequence change replaces alanine, which is neutral and non-polar, with threonine, which is neutral and polar, at codon 483 of the BRCA2 protein (p.Ala483Thr).

Ambry Genetics
Classification: Uncertain significance for Hereditary cancer-predisposing syndrome. Last evaluated: 2020-12-09. Review status: criteria provided, single submitter. Criteria: Ambry Variant Classification Scheme 2023. Collection method: clinical testing. Allele origin: germline.
Comment: The p.A483T variant (also known as c.1447G>A), located in coding exon 9 of the BRCA2 gene, results from a G to A substitution at nucleotide position 1447. The alanine at codon 483 is replaced by threonine, an amino acid with similar properties. This amino acid position is not well conserved in available vertebrate species. In addition, this alteration is predicted to be tolerated by in silico analysis. Since supporting evidence is limited at this time, the clinical significance of this alteration remains unclear.

Color Diagnostics, LLC DBA Color Health
Classification: Uncertain significance for Hereditary cancer-predisposing syndrome. Last evaluated: 2019-06-05. Review status: criteria provided, single submitter. Criteria: ACMG Guidelines, 2015. Collection method: clinical testing. Allele origin: germline.

Breast Cancer Information Core (BIC) (BRCA2)
Classification: Uncertain significance for Breast-ovarian cancer, familial 2. Last evaluated: 2003-12-23. Review status: no assertion criteria provided. Collection method: clinical testing. Allele origin: germline. Affected: yes. Observed: 1 variant allele. Not counted in ClinVar's aggregate classification.

Literature cited by the submitters: PubMed 10923033 (cited by Labcorp Genetics (formerly Invitae), Labcorp).